The following is an entry in ClinVar:

NM_000322.5(PRPH2):c.634A>G (p.Ser212Gly)

Gene: PRPH2 (peripherin 2; minus strand). Cytogenetic location: 6p21.1.
Variant type: single nucleotide variant.
Coding change: c.634A>G on transcript NM_000322.5 (MANE Select); coding-DNA position 634, A replaced by G.
Protein change: p.Ser212Gly; replaces serine 212 with glycine.
Molecular consequence: missense variant.
Genome position (GRCh38, 1-based): chr6:42,704,559, T>C on the plus strand (A>G on the coding strand, the complement: PRPH2 is on the minus strand). VCF-style: chr6-42704559-T-C. GRCh37 (hg19) VCF-style: chr6-42672297-T-C.
Other names: short protein forms S212G.
Identifiers: ClinVar variation 98689 (VCV000098689.13), dbSNP rs61755800, ClinGen allele CA226273.
Genomic context (GRCh38, chr6:42,704,559, plus strand): 5'-CTGAGTTGTTGGTGATCTGATACTGGATGCAGGGCCGTGGCGAGCTAGGATTGCAGCAGC[T>C]GAAAGGGACGCCGTCCACCAGGTACCGCCCATCCACGTTGCTCTTGATTCGACTTAAAGG-3'
Protein context (NP_000313.2, residues 202-222): GRYLVDGVPF[Ser212Gly]CCNPSSPRPC

ClinVar aggregate classification (germline): Pathogenic/Likely pathogenic. Review status: criteria provided, multiple submitters, no conflicts (2 of 4 stars). 9 submissions from 9 submitters: Pathogenic (3); Likely pathogenic (3). 3 of the submissions do not count toward it. Last evaluated 2025-04-28.

Conditions:
PRPH2-related disorder. Also called: PRPH2-related disorders; PRPH2-related condition. Identifiers: MedGen CN239395.
Retinitis pigmentosa (RP). Identifiers: Orphanet 791, MedGen C0035334, MeSH D012174, MONDO:0019200, OMIM 268000. Inheritance: Autosomal dominant, autosomal recessive and X linked inheritance.
Retinal dystrophy. Also called: Inherited retinal dystrophy. Identifiers: Orphanet 71862, MedGen C0854723, MeSH D058499, MONDO:0019118, HP:0000556.

Submissions (9):

Labcorp Genetics (formerly Invitae), Labcorp
Classification: Pathogenic for PRPH2-related disorder. Last evaluated: 2025-04-28. Review status: criteria provided, single submitter. Criteria: Invitae Variant Classification Sherloc (09022015). Collection method: clinical testing. Allele origin: germline.
Comment: This sequence change replaces serine, which is neutral and polar, with glycine, which is neutral and non-polar, at codon 212 of the PRPH2 protein (p.Ser212Gly). This variant is not present in population databases (gnomAD no frequency). This missense change has been observed in individuals with PRPH2-related conditions (PMID: 1427912, 18050133; internal data). ClinVar contains an entry for this variant (Variation ID: 98689). Invitae Evidence Modeling of protein sequence and biophysical properties (such as structural, functional, and spatial information, amino acid conservation, physicochemical variation, residue mobility, and thermodynamic stability) indicates that this missense variant is expected to disrupt PRPH2 protein function with a positive predictive value of 95%. For these reasons, this variant has been classified as Pathogenic.

Blueprint Genetics
Classification: Pathogenic for PRPH2-related disorders. Last evaluated: 2023-12-12. Review status: criteria provided, single submitter. Criteria: ACMG Guidelines, 2015. Collection method: clinical testing. Allele origin: germline. Affected: yes. Observed: 5 variant alleles.

Dept Of Ophthalmology, Nagoya University
Classification: Likely pathogenic for Retinal dystrophy. Last evaluated: 2023-10-01. Review status: criteria provided, single submitter. Criteria: Submitter's publication. Collection method: research. Allele origin: germline. Affected: yes.

Institute of Medical Genetics and Applied Genomics, University Hospital Tübingen
Classification: Pathogenic. Last evaluated: 2020-10-23. Review status: criteria provided, single submitter. Criteria: ACMG Guidelines, 2015. Collection method: clinical testing. Allele origin: germline. Inheritance: Autosomal unknown. Affected: yes.

NEI Ophthalmic Genomics Laboratory, National Institutes of Health
Classification: Likely pathogenic for Retinitis pigmentosa. Last evaluated: 2020-01-07. Review status: criteria provided, single submitter. Criteria: ACMG Guidelines, 2015. Collection method: clinical testing. Allele origin: germline. Affected: yes.
Comment: The variant NM_000322.4:c.634A>G in the PRPH2 gene has been previously studied(PMIDs 1427912, 18050133, 30924848). This variant is listed in dbSNP and/or HGMD (rs61755800,CM920606). It is absent in gnomAD browser. It is not enriched in the PRPH2 disease cohort. We invoked ACMG criteria [PP1-M, PM1, PM2, PM5, PP3, PP5] and classified NM_000322.4:c.634A>G in the PRPH2 gene as a Likely Pathogenic mutation.

Institute of Human Genetics, Univ. Regensburg, Univ. Regensburg
Classification: Likely pathogenic for Retinal dystrophy. Last evaluated: 2020-01-01. Review status: criteria provided, single submitter. Criteria: ACMG Guidelines, 2015. Collection method: clinical testing. Allele origin: germline. Affected: yes.

Leiden Open Variation Database
Classification: Likely pathogenic. Last evaluated: 2021-04-06. Review status: no assertion criteria provided. Collection method: curation. Allele origin: germline. Affected: yes. Not counted in ClinVar's aggregate classification.
Comment: Curator: Global Variome, with Curator vacancy. Submitters to LOVD: LOVD, Manon Peeters, Yoshito Koyanagi.

NIHR Bioresource Rare Diseases, University of Cambridge
Classification: Likely pathogenic for Retinitis pigmentosa. Last evaluated: 2015-01-01. Review status: no assertion criteria provided. Collection method: research. Allele origin: unknown. Affected: yes. Observed: 1 variant allele. Not counted in ClinVar's aggregate classification.

Retina International
No classification provided. Review status: no classification provided. Collection method: not provided. Allele origin: not provided. Not counted in ClinVar's aggregate classification.

Literature cited by the submitters: PubMed 1427912 (cited by Labcorp Genetics (formerly Invitae), Labcorp and Institute of Human Genetics, Univ. Regensburg, Univ. Regensburg); PubMed 18050133 (cited by 3 submitters); PubMed 30924848 (cited by Institute of Human Genetics, Univ. Regensburg, Univ. Regensburg and Leiden Open Variation Database); PubMed 31213501 (cited by Institute of Human Genetics, Univ. Regensburg, Univ. Regensburg and Leiden Open Variation Database); PubMed 32581362 (cited by Institute of Human Genetics, Univ. Regensburg, Univ. Regensburg); PubMed 34411390 (cited by Institute of Human Genetics, Univ. Regensburg, Univ. Regensburg); PubMed 36460718 (cited by Institute of Human Genetics, Univ. Regensburg, Univ. Regensburg); PubMed 8449524 (cited by Leiden Open Variation Database and NIHR Bioresource Rare Diseases, University of Cambridge); PubMed 23950152 (cited by Leiden Open Variation Database); PubMed 28041643 (cited by Leiden Open Variation Database and NIHR Bioresource Rare Diseases, University of Cambridge); PubMed 29847639 (cited by Leiden Open Variation Database); PubMed 32531846 (cited by Leiden Open Variation Database).